The following is an entry in ClinVar:

NM_144997.7(FLCN):c.1201C>A (p.Arg401Ser)

Gene: FLCN (folliculin; minus strand). Cytogenetic location: 17p11.2.
Variant type: single nucleotide variant.
Coding change: c.1201C>A on transcript NM_144997.7 (MANE Select); coding-DNA position 1201, C replaced by A.
Protein change: p.Arg401Ser; replaces arginine 401 with serine.
Molecular consequence: missense variant.
Genome position (GRCh38, 1-based): chr17:17,216,479, G>T on the plus strand (C>A on the coding strand, the complement: FLCN is on the minus strand). VCF-style: chr17-17216479-G-T. GRCh37 (hg19) VCF-style: chr17-17119793-G-T.
Other names: c.1255C>A, p.Arg419Ser (NM_001353229.2); c.1201C>A, p.Arg401Ser (NM_001353230.2, NM_001353231.2); short protein forms R419S, R401S.
Identifiers: ClinVar variation 1446680 (VCV001446680.8), dbSNP rs143183215, ClinGen allele CA398531943.

ClinVar aggregate classification (germline): Uncertain significance. Review status: criteria provided, multiple submitters, no conflicts (2 of 4 stars). 2 submissions from 2 submitters: Uncertain significance (2). Last evaluated 2022-12-31.

Conditions:
Birt-Hogg-Dube syndrome. Also called: Birt Hogg Dubé syndrome. Identifiers: Orphanet 122, MedGen C0346010, MONDO:0800444.
Hereditary cancer-predisposing syndrome. Also called: Tumor predisposition; Hereditary neoplastic syndrome; Hereditary Cancer Syndrome; Neoplastic Syndromes, Hereditary. Identifiers: Orphanet 140162, MedGen C0027672, MeSH D009386, MONDO:0015356.

Submissions (2):

Labcorp Genetics (formerly Invitae), Labcorp
Classification: Uncertain significance for Birt-Hogg-Dube syndrome. Last evaluated: 2022-12-31. Review status: criteria provided, single submitter. Criteria: Invitae Variant Classification Sherloc (09022015). Collection method: clinical testing. Allele origin: germline.
Comment: This variant has not been reported in the literature in individuals affected with FLCN-related conditions. This variant is not present in population databases (gnomAD no frequency). This sequence change replaces arginine, which is basic and polar, with serine, which is neutral and polar, at codon 401 of the FLCN protein (p.Arg401Ser). ClinVar contains an entry for this variant (Variation ID: 1446680). In summary, the available evidence is currently insufficient to determine the role of this variant in disease. Therefore, it has been classified as a Variant of Uncertain Significance. Advanced modeling of protein sequence and biophysical properties (such as structural, functional, and spatial information, amino acid conservation, physicochemical variation, residue mobility, and thermodynamic stability) performed at Invitae indicates that this missense variant is not expected to disrupt FLCN protein function.

Ambry Genetics
Classification: Uncertain significance for Hereditary cancer-predisposing syndrome. Last evaluated: 2020-10-29. Review status: criteria provided, single submitter. Criteria: Ambry Variant Classification Scheme 2023. Collection method: clinical testing. Allele origin: germline.
Comment: The p.R401S variant (also known as c.1201C>A), located in coding exon 8 of the FLCN gene, results from a C to A substitution at nucleotide position 1201. The arginine at codon 401 is replaced by serine, an amino acid with dissimilar properties. This amino acid position is highly conserved in available vertebrate species. In addition, this alteration is predicted to be deleterious by in silico analysis. Since supporting evidence is limited at this time, the clinical significance of this alteration remains unclear.